The following is an entry in ClinVar:

NM_000426.4(LAMA2):c.1330T>C (p.Cys444Arg)

Gene: LAMA2 (laminin subunit alpha 2; plus strand). Cytogenetic location: 6q22.33.
Variant type: single nucleotide variant.
Coding change: c.1330T>C on transcript NM_000426.4 (MANE Select); coding-DNA position 1330, T replaced by C.
Protein change: p.Cys444Arg; replaces cysteine 444 with arginine.
Molecular consequence: missense variant.
Genome position (GRCh38, 1-based): chr6:129,177,729, T>C. VCF-style: chr6-129177729-T-C. GRCh37 (hg19) VCF-style: chr6-129498874-T-C.
Other names: c.1330T>C, p.Cys444Arg (NM_001079823.2); short protein forms C444R.
Identifiers: ClinVar variation 4687405 (VCV004687405.1).

ClinVar aggregate classification (germline): Uncertain significance (1 of 4 stars; one submission).

Submission:

Women's Health and Genetics/Laboratory Corporation of America, LabCorp
Classification: Uncertain significance. Last evaluated: 2025-10-30. Review status: criteria provided, single submitter. Criteria: LabCorp Variant Classification Summary - May 2015. Collection method: clinical testing. Allele origin: germline.
Comment: Variant summary: LAMA2 c.1330T>C (p.Cys444Arg) results in a non-conservative amino acid change in the encoded protein sequence. Algorithms developed to predict the effect of missense changes on protein structure and function all suggest that this variant is likely to be disruptive. The variant was absent in 251348 control chromosomes. The available data on variant occurrences in the general population are insufficient to allow any conclusion about variant significance. c.1330T>C has been observed in individual(s) affected with LAMA2-related muscular dystrophy (Bouman_2023). These data do not allow any conclusion about variant significance. To our knowledge, no experimental evidence demonstrating an impact on protein function has been reported. The following publication have been ascertained in the context of this evaluation (PMID: 37476021). The following publication has been ascertained in the context of this evaluation (PMID: 37476021). No submitters have cited clinical-significance assessments for this variant to ClinVar. Based on the evidence outlined above, the variant was classified as uncertain significance.

Literature cited by the submitters: PubMed 37476021.